The following is an entry in ClinVar:

NM_001349206.2(LPIN1):c.176G>A (p.Arg59His)

Gene: LPIN1 (lipin 1; plus strand). Cytogenetic location: 2p25.1.
Variant type: single nucleotide variant.
Coding change: c.176G>A on transcript NM_001349206.2 (MANE Select); coding-DNA position 176, G replaced by A.
Protein change: p.Arg59His; replaces arginine 59 with histidine.
Molecular consequence: missense variant. On other transcripts: non-coding transcript variant (1).
Genome position (GRCh38, 1-based): chr2:11,765,717, G>A. VCF-style: chr2-11765717-G-A. GRCh37 (hg19) VCF-style: chr2-11905843-G-A.
Other names: c.194G>A, p.Arg65His (NM_001261427.3); c.323G>A, p.Arg108His (NM_001261428.3, NM_001349208.2); c.176G>A, p.Arg59His (NM_001349199.2, NM_001349200.2, NM_001349201.2 and 5 more transcripts); c.266G>A, p.Arg89His (NM_001349207.2); short protein forms R65H, R89H, R108H, R59H.
Identifiers: ClinVar variation 2052974 (VCV002052974.4), dbSNP rs140179571, ClinGen allele CA1533349.
Genomic context (GRCh38, chr2:11,765,717, plus strand): 5'-CCAATGGAAACCTCCAATGCTCCCCTTTCCACGTCCGCTTTGGGAAGATGGGGGTCCTGC[G>A]CTCCCGAGAGAAAGTGGTGAGCTCTCAGGGCACGGGGACCTGGCACCGGCTCTCCTTAGA-3'
Protein context (NP_001336135.1, residues 49-69): HVRFGKMGVL[Arg59His]SREKVVDIEI

ClinVar aggregate classification (germline): Uncertain significance. Review status: criteria provided, multiple submitters, no conflicts (2 of 4 stars). 4 submissions from 4 submitters: Uncertain significance (4). Last evaluated 2024-06-11.

Conditions:
Myoglobinuria, acute recurrent, autosomal recessive. Also called: MYOGLOBINURIA, FAMILIAL PAROXYSMAL PARALYTIC; RHABDOMYOLYSIS, ACUTE RECURRENT; Myoglobinuria, recurrent, autosomal recessive. Identifiers: Orphanet 99845, MedGen C1849386, MONDO:0009992, OMIM 268200.

Allele frequency attached by ClinVar (database versions not stated): TOPMed 0.00023; gnomAD 0.00027; ESP Exome Variant Server 0.00031.
gnomAD v4.1: 447 of 1,610,880 alleles (0.028%); highest among the groups gnomAD compares: Non-Finnish European, 0.034%; no homozygotes.

Submissions (4):

Fulgent Genetics
Classification: Uncertain significance for Myoglobinuria, acute recurrent, autosomal recessive. Last evaluated: 2024-06-11. Review status: criteria provided, single submitter. Criteria: ACMG Guidelines, 2015. Collection method: clinical testing. Allele origin: germline.

Blueprint Genetics
Classification: Uncertain significance. Last evaluated: 2024-02-22. Review status: criteria provided, single submitter. Criteria: ACMG Guidelines, 2015. Collection method: clinical testing. Allele origin: germline.

Institute of Human Genetics, Clinical Exome/Genome Diagnostics Group, University Hospital Bonn
Classification: Uncertain significance for Myoglobinuria, acute recurrent, autosomal recessive. Last evaluated: 2023-12-18. Review status: criteria provided, single submitter. Criteria: ACMG Guidelines, 2015. Collection method: clinical testing. Allele origin: maternal.

Labcorp Genetics (formerly Invitae), Labcorp
Classification: Uncertain significance. Last evaluated: 2022-07-21. Review status: criteria provided, single submitter. Criteria: Invitae Variant Classification Sherloc (09022015). Collection method: clinical testing. Allele origin: germline.
Comment: This sequence change replaces arginine, which is basic and polar, with histidine, which is basic and polar, at codon 59 of the LPIN1 protein (p.Arg59His). This variant is present in population databases (rs140179571, gnomAD 0.03%). This variant has not been reported in the literature in individuals affected with LPIN1-related conditions. Algorithms developed to predict the effect of missense changes on protein structure and function are either unavailable or do not agree on the potential impact of this missense change (SIFT: "Deleterious"; PolyPhen-2: "Probably Damaging"; Align-GVGD: "Class C0"). In summary, the available evidence is currently insufficient to determine the role of this variant in disease. Therefore, it has been classified as a Variant of Uncertain Significance.